The following is an entry in ClinVar:

NM_020433.5(JPH2):c.253G>A (p.Glu85Lys)

Gene: JPH2 (junctophilin 2; minus strand). Cytogenetic location: 20q13.12.
Variant type: single nucleotide variant.
Coding change: c.253G>A on transcript NM_020433.5 (MANE Select); coding-DNA position 253, G replaced by A.
Protein change: p.Glu85Lys; replaces glutamic acid 85 with lysine.
Molecular consequence: missense variant.
Genome position (GRCh38, 1-based): chr20:44,186,453, C>T on the plus strand (G>A on the coding strand, the complement: JPH2 is on the minus strand). VCF-style: chr20-44186453-C-T. GRCh37 (hg19) VCF-style: chr20-42815093-C-T.
Other names: c.253G>A, p.Glu85Lys (NM_175913.4); short protein forms E85K.
Identifiers: ClinVar variation 1792807 (VCV001792807.3), dbSNP rs2515764210, ClinGen allele CA409095201.

ClinVar aggregate classification (germline): Uncertain significance. Review status: criteria provided, multiple submitters, no conflicts (2 of 4 stars). 2 submissions from 2 submitters: Uncertain significance (2). Last evaluated 2023-09-25.

Conditions:
Cardiovascular phenotype. Identifiers: MedGen CN230736.

Submissions (2):

Revvity Omics, Revvity
Classification: Uncertain significance. Last evaluated: 2023-09-25. Review status: criteria provided, single submitter. Criteria: ACMG Guidelines, 2015. Collection method: clinical testing. Allele origin: germline.

Ambry Genetics
Classification: Uncertain significance for Cardiovascular phenotype. Last evaluated: 2021-08-09. Review status: criteria provided, single submitter. Criteria: Ambry Variant Classification Scheme 2023. Collection method: clinical testing. Allele origin: germline.
Comment: The p.E85K variant (also known as c.253G>A), located in coding exon 1 of the JPH2 gene, results from a G to A substitution at nucleotide position 253. The glutamic acid at codon 85 is replaced by lysine, an amino acid with similar properties. This variant was reported in an individual with findings consistent with dilated cardiomyopathy and was detected in additional family members with similar findings; the proband and one of the affected relatives also showed left ventricular non-compaction (Sabater-Molina M et al. Clin Genet, 2016 11;90:468-469). This amino acid position is highly conserved in available vertebrate species. In addition, the in silico prediction for this alteration is inconclusive. Since supporting evidence is limited at this time, the clinical significance of this alteration remains unclear.

Literature cited by the submitters: PubMed 27471098 (cited by Ambry Genetics).